The following is an entry in ClinVar:

NM_138295.5(PKD1L1):c.2212C>G (p.Gln738Glu)

Gene: PKD1L1 (polycystin 1 like 1, transient receptor potential channel interacting; minus strand). Cytogenetic location: 7p12.3.
Variant type: single nucleotide variant.
Coding change: c.2212C>G on transcript NM_138295.5 (MANE Select); coding-DNA position 2212, C replaced by G.
Protein change: p.Gln738Glu; replaces glutamine 738 with glutamic acid.
Molecular consequence: missense variant.
Genome position (GRCh38, 1-based): chr7:47,898,047, G>C on the plus strand (C>G on the coding strand, the complement: PKD1L1 is on the minus strand). VCF-style: chr7-47898047-G-C. GRCh37 (hg19) VCF-style: chr7-47937644-G-C.
Other names: short protein forms Q738E.
Identifiers: ClinVar variation 3353239 (VCV003353239.1).

ClinVar aggregate classification (germline): Uncertain significance (0 of 4 stars; one submission).

Conditions:
PKD1L1-related disorder. Also called: PKD1L1-related condition.

gnomAD v4.1: 19 of 1,613,562 alleles (0.0012%); highest among the groups gnomAD compares: Middle Eastern, 0.017%; no homozygotes.

Submission:

PreventionGenetics, part of Exact Sciences
Classification: Uncertain significance for PKD1L1-related condition. Last evaluated: 2024-07-11. Review status: no assertion criteria provided. Collection method: clinical testing. Allele origin: germline.
Comment: The PKD1L1 c.2212C>G variant is predicted to result in the amino acid substitution p.Gln738Glu. To our knowledge, this variant has not been reported in the literature. This variant is reported in 0.0062% of alleles in individuals of African descent in gnomAD. At this time, the clinical significance of this variant is uncertain due to the absence of conclusive functional and genetic evidence.